The following is an entry in ClinVar:

NM_003126.4(SPTA1):c.6825A>T (p.Glu2275Asp)

Gene: SPTA1 (spectrin alpha, erythrocytic 1; minus strand). Cytogenetic location: 1q23.1.
Variant type: single nucleotide variant.
Coding change: c.6825A>T on transcript NM_003126.4 (MANE Select); coding-DNA position 6825, A replaced by T.
Protein change: p.Glu2275Asp; replaces glutamic acid 2275 with aspartic acid.
Molecular consequence: missense variant.
Genome position (GRCh38, 1-based): chr1:158,614,270, T>A on the plus strand (A>T on the coding strand, the complement: SPTA1 is on the minus strand). VCF-style: chr1-158614270-T-A. GRCh37 (hg19) VCF-style: chr1-158584060-T-A.
Other names: p.Glu2275Asp; short protein forms E2275D.
Identifiers: ClinVar variation 3379984 (VCV003379984.2).

ClinVar aggregate classification (germline): Uncertain significance. Review status: criteria provided, multiple submitters, no conflicts (2 of 4 stars). 2 submissions from 2 submitters: Uncertain significance (2). Last evaluated 2024-04-29.

gnomAD v4.1: 19 of 1,597,968 alleles (0.0012%); highest among the groups gnomAD compares: Non-Finnish European, 0.0015%; no homozygotes.

Submissions (2):

Mayo Clinic Laboratories, Mayo Clinic
Classification: Uncertain significance. Last evaluated: 2024-04-29. Review status: criteria provided, single submitter. Criteria: ACMG Guidelines, 2015. Collection method: clinical testing. Allele origin: germline. Observed: 1 variant allele.
Comment: BP4, PM2_moderate

Revvity Omics, Revvity
Classification: Uncertain significance. Last evaluated: 2023-09-05. Review status: criteria provided, single submitter. Criteria: ACMG Guidelines, 2015. Collection method: clinical testing. Allele origin: germline.